The following is an entry in ClinVar:

ClinVar aggregate classification (germline): Uncertain significance (1 of 4 stars; one submission).

Conditions:
PAX7-related disorder. Also called: PAX7-related condition.

gnomAD v4.1: 30 of 1,613,992 alleles (0.0019%); highest among the groups gnomAD compares: Middle Eastern, 0.016%; no homozygotes.

Submission:

PreventionGenetics, part of Exact Sciences
Classification: Uncertain significance for PAX7-related condition. Last evaluated: 2026-01-18. Review status: criteria provided, single submitter. Criteria: ACMG Guidelines, 2015. Collection method: clinical testing. Allele origin: germline.
Comment: The PAX7 c.1351G>A variant is predicted to result in the amino acid substitution p.Gly451Ser. To our knowledge, this variant has not been reported in the literature. This variant is reported in 0.0054% of alleles in individuals of East Asian descent in gnomAD. At this time, the clinical significance of this variant is uncertain due to the absence of conclusive functional and genetic evidence.

NM_001135254.2(PAX7):c.1351G>A (p.Gly451Ser)

Gene: PAX7 (paired box 7; plus strand). Cytogenetic location: 1p36.13.
Variant type: single nucleotide variant.
Coding change: c.1351G>A on transcript NM_001135254.2 (MANE Select); coding-DNA position 1351, G replaced by A.
Protein change: p.Gly451Ser; replaces glycine 451 with serine.
Molecular consequence: missense variant.
Genome position (GRCh38, 1-based): chr1:18,735,827, G>A. VCF-style: chr1-18735827-G-A. GRCh37 (hg19) VCF-style: chr1-19062321-G-A.
Other names: c.1351G>A, p.Gly451Ser (NM_002584.3); c.1345G>A, p.Gly449Ser (NM_013945.3); short protein forms G449S, G451S.
Identifiers: ClinVar variation 4978954 (VCV004978954.1).